The following is an entry in ClinVar:

ClinVar aggregate classification (germline): Pathogenic. Review status: reviewed by expert panel (3 of 4 stars). 2 submissions from 2 submitters: Pathogenic (1). 1 of the submissions does not count toward it. Last evaluated 2023-04-05.

Conditions:
PALB2-related cancer predisposition. Identifiers: MedGen CN377761, MONDO:0700272.
Hereditary cancer-predisposing syndrome. Also called: Neoplastic Syndromes, Hereditary; Tumor predisposition; Hereditary Cancer Syndrome; Hereditary neoplastic syndrome. Identifiers: Orphanet 140162, MedGen C0027672, MeSH D009386, MONDO:0015356.

Submissions (2):

ClinGen Hereditary Breast, Ovarian and Pancreatic Cancer Variant Curation Expert Panel, ClinGen
Classification: Pathogenic for PALB2-related cancer predisposition. Last evaluated: 2023-04-05. Review status: reviewed by expert panel. Criteria: ClinGen HBOP VCEP ACMG Specifications PALB2 V1.0.0. Collection method: curation. Allele origin: germline. Inheritance: Autosomal dominant inheritance.
Comment: The c.2524_2535delinsTCAGA (p.Ala842Serfs*7) variant in PALB2 is a frameshift variant predicted to cause a premature stop codon in biologically-relevant-exon 6 leading to nonsense mediated decay in a gene in which loss-of-function is an established disease mechanism. This variant is absent from gnomAD v2.1.1. This alteration results in a termination codon upstream of the most C-terminus pathogenic alteration (PALB2 p.Tyr1183*) as classified by the HBOP VCEP, and is expected to be more deleterious. In summary, this variant meets criteria to be classified as pathogenic for autosomal dominant hereditary breast and pancreatic cancer and autosomal recessive FANCN based on the ACMG/AMP criteria applied as specified by the HBOP VCEP. (PVS1, PM2_Supporting, PM5_Supporting)

Ambry Genetics
Classification: Pathogenic for Hereditary cancer-predisposing syndrome. Last evaluated: 2014-10-22. Review status: criteria provided, single submitter. Criteria: Ambry Variant Classification Scheme 2023. Collection method: clinical testing. Allele origin: germline. Not counted in ClinVar's aggregate classification.
Comment: The c.2524_2535del12insTCAGA pathogenic mutation, located in coding exon 6 of the PALB2 gene, results from the deletion of 12 nucleotides and insertion of 5 nucleotides at positions 2524-2535, causing a translational frameshift with a predicted alternate stop codon. Since frameshifts are typically deleterious in nature, this alteration is interpreted as a disease-causing mutation (ACMG Recommendations for Standards for Interpretation and Reporting of Sequence Variations. Revision 2007. Genet Med. 2008;10:294).

NM_024675.4(PALB2):c.2524_2535delinsTCAGA (p.Ala842fs)

Gene: PALB2 (partner and localizer of BRCA2; minus strand). Cytogenetic location: 16p12.2.
Variant type: Indel.
Coding change: c.2524_2535delinsTCAGA on transcript NM_024675.4 (MANE Select); coding-DNA positions 2524 to 2535, GCAGAGCTTCCT replaced by TCAGA.
Protein change: p.Ala842fs; shifts the reading frame from alanine 842.
Molecular consequence: frameshift variant.
Genome position (GRCh38, 1-based): chr16:23,629,255-23,629,266, AGGAAGCTCTGC replaced by TCTGA on the plus strand (GCAGAGCTTCCT replaced by TCAGA on the coding strand, the reverse complement: PALB2 is on the minus strand). VCF-style: chr16-23629255-AGGAAGCTCTGC-TCTGA. GRCh37 (hg19) VCF-style: chr16-23640576-AGGAAGCTCTGC-TCTGA.
Other names: NM_024675.3(PALB2):c.2524_2535delinsTCAGA; p.Ala842fs; short protein forms A842fs.
Identifiers: ClinVar variation 186990 (VCV000186990.7), dbSNP rs786203382, ClinGen allele CA196418.